The following is an entry in ClinVar:

NM_176894.3(P2RY13):c.282C>T (p.Leu94=)

Genes: MED12L (mediator complex subunit 12L; plus strand), P2RY13 (purinergic receptor P2Y13; minus strand). Cytogenetic location: 3q25.1.
Variant type: single nucleotide variant.
Coding change: c.282C>T on transcript NM_176894.3 (MANE Select); coding-DNA position 282, C replaced by T.
Protein change: p.Leu94=; no amino-acid change (leucine 94 retained).
Molecular consequence: synonymous variant. On other transcripts: intron variant (2).
Genome position (GRCh38, 1-based): chr3:151,328,774, G>A on the plus strand (C>T on the coding strand, the complement: P2RY13 is on the minus strand). VCF-style: chr3-151328774-G-A. GRCh37 (hg19) VCF-style: chr3-151046562-G-A.
Other names: c.2251-21285G>A (NM_001393769.1); c.2146-21285G>A (NM_053002.6).
Identifiers: ClinVar variation 5041556 (VCV005041556.1).

ClinVar aggregate classification (germline): Likely benign (1 of 4 stars; one submission).

Submission:

CeGaT Center for Human Genetics Tuebingen
Classification: Likely benign. Last evaluated: 2026-09-01. Review status: criteria provided, single submitter. Criteria: CeGaT Center For Human Genetics Tuebingen Variant Classification Criteria Version 2. Collection method: clinical testing. Allele origin: germline. Affected: yes. Observed: 1 variant allele.
Comment: P2RY13: PM2:Supporting, BP4, BP7